The following is an entry in ClinVar:

ClinVar aggregate classification (germline): Benign/Likely benign. Review status: criteria provided, multiple submitters, no conflicts (2 of 4 stars). 20 submissions from 20 submitters: Benign (10); Likely benign (4). 6 of the submissions do not count toward it. Last evaluated 2026-02-03.

Conditions:
Breast and/or ovarian cancer. Identifiers: MedGen CN221562.
Hereditary cancer-predisposing syndrome. Also called: Neoplastic Syndromes, Hereditary; Hereditary Cancer Syndrome; Tumor predisposition; Hereditary neoplastic syndrome. Identifiers: Orphanet 140162, MedGen C0027672, MeSH D009386, MONDO:0015356.
Peutz-Jeghers syndrome (PJS). Also called: Peutz-Jeghers polyposis; Periorificial lentiginosis syndrome; POLYPOSIS, HAMARTOMATOUS INTESTINAL; POLYPS-AND-SPOTS SYNDROME. Identifiers: Orphanet 2869, MedGen C0031269, MeSH D010580, MONDO:0008280, OMIM 175200.

Allele frequency attached by ClinVar (database versions not stated): gnomAD exomes 0.00060 and 0.00149; ExAC 0.00186; ESP Exome Variant Server 0.00504; gnomAD 0.00584 and 0.00636; 1000 Genomes Project 30x 0.00593; 1000 Genomes Project 0.00619; TOPMed 0.00723.
gnomAD v4.1: 1,840 of 1,613,484 alleles (0.11%); highest among the groups gnomAD compares: African/African-American, 2.1%; 25 homozygotes.

Submissions (20):

Labcorp Genetics (formerly Invitae), Labcorp
Classification: Benign for Peutz-Jeghers syndrome. Last evaluated: 2026-02-03. Review status: criteria provided, single submitter. Criteria: Invitae Variant Classification Sherloc (09022015). Collection method: clinical testing. Allele origin: germline.

ARUP Laboratories, Molecular Genetics and Genomics, ARUP Laboratories
Classification: Benign. Last evaluated: 2025-05-19. Review status: criteria provided, single submitter. Criteria: ARUP Molecular Germline Variant Investigation Process 2024. Collection method: clinical testing. Allele origin: germline.

Myriad Genetics, Inc.
Classification: Benign for Peutz-Jeghers syndrome. Last evaluated: 2025-03-25. Review status: criteria provided, single submitter. Criteria: Myriad Autosomal Dominant, Autosomal Recessive and X-Linked Classification Criteria (2023). Collection method: clinical testing. Allele origin: unknown.
Comment: This variant is considered benign. This variant is a silent/synonymous amino acid change and it is not expected to impact splicing.

Center for Genomic Medicine, Rigshospitalet, Copenhagen University Hospital
Classification: Benign. Last evaluated: 2025-03-04. Review status: criteria provided, single submitter. Criteria: ACMG Guidelines, 2015. Collection method: clinical testing. Allele origin: germline.

KCCC/NGS Laboratory, Kuwait Cancer Control Center
Classification: Benign for Peutz-Jeghers syndrome. Last evaluated: 2025-02-01. Review status: criteria provided, single submitter. Criteria: ACMG Guidelines, 2015. Collection method: clinical testing. Allele origin: germline. Affected: no.

Blueprint Genetics
Classification: Likely benign. Last evaluated: 2024-11-23. Review status: criteria provided, single submitter. Criteria: ACMG Guidelines, 2015. Collection method: clinical testing. Allele origin: germline.

CHEO Genetics Diagnostic Laboratory, Children's Hospital of Eastern Ontario
Classification: Benign for Breast and/or ovarian cancer. Last evaluated: 2021-12-07. Review status: criteria provided, single submitter. Criteria: ACMG Guidelines, 2015. Collection method: clinical testing. Allele origin: germline.

Genome-Nilou Lab
Classification: Likely benign for Peutz-Jeghers syndrome. Last evaluated: 2021-07-15. Review status: criteria provided, single submitter. Criteria: ACMG Guidelines, 2015. Collection method: clinical testing. Allele origin: germline. Affected: no.

Illumina Laboratory Services, Illumina
Classification: Likely benign for Peutz-Jeghers syndrome. Last evaluated: 2018-02-08. Review status: criteria provided, single submitter. Criteria: ICSL Variant Classification Criteria 13 December 2019. Collection method: clinical testing. Allele origin: germline.
Comment: This variant was observed as part of a predisposition screen in an ostensibly healthy population. A literature search was performed for the gene, cDNA change, and amino acid change (where applicable). No publications were found based on this search. Allele frequency data from public databases allowed determination this variant is unlikely to cause disease. Therefore, this variant is classified as likely benign.

Color Diagnostics, LLC DBA Color Health
Classification: Benign for Hereditary cancer-predisposing syndrome. Last evaluated: 2015-04-24. Review status: criteria provided, single submitter. Criteria: ACMG Guidelines, 2015. Collection method: clinical testing. Allele origin: germline.

GeneDx
Classification: Benign. Last evaluated: 2015-03-03. Review status: criteria provided, single submitter. Criteria: GeneDx Variant Classification Process June 2021. Collection method: clinical testing. Allele origin: germline. Affected: yes.

Ambry Genetics
Classification: Benign for Hereditary cancer-predisposing syndrome. Last evaluated: 2014-08-05. Review status: criteria provided, single submitter. Criteria: Ambry Variant Classification Scheme 2023. Collection method: clinical testing. Allele origin: germline.

Breakthrough Genomics
Classification: Likely benign. Review status: criteria provided, single submitter. Criteria: ACMG Guidelines, 2015. Collection method: not provided. Allele origin: germline. Inheritance: Autosomal dominant inheritance. Affected: yes.

PreventionGenetics, part of Exact Sciences
Classification: Benign. Review status: criteria provided, single submitter. Criteria: ACMG Guidelines, 2015. Collection method: clinical testing. Allele origin: germline.

Institute for Biomarker Research, Medical Diagnostic Laboratories, L.L.C.
Classification: Benign for Hereditary cancer-predisposing syndrome. Last evaluated: 2021-09-15. Review status: no assertion criteria provided. Collection method: clinical testing. Allele origin: germline. Not counted in ClinVar's aggregate classification.

True Health Diagnostics
Classification: Likely benign for Hereditary cancer-predisposing syndrome. Last evaluated: 2017-10-10. Review status: no assertion criteria provided. Collection method: clinical testing. Allele origin: germline. Not counted in ClinVar's aggregate classification.

Department of Pathology and Laboratory Medicine, Sinai Health System
Classification: Likely benign. Review status: no assertion criteria provided. Collection method: clinical testing. Allele origin: unknown. Affected: yes. Observed: 5 variant alleles. Study: The Canadian Open Genetics Repository (COGR). Not counted in ClinVar's aggregate classification.
Comment: The STK11 p.Gln123= variant was not identified in the literature nor was it identified in the Cosmic, MutDB, LOVD 3.0, Zhejiang Colon Cancer Database, and Insight Hereditary Tumors Database. The variant was identified in dbSNP (ID: rs140112347) as â€šÃ„Ãºotherâ€šÃ„Ã¹, ClinVar (classified as benign/likely benign; submitters: benign by Ambry Genetics, Invitae and Prevention Genetics; likely benign by Illumina Clinical Services Laboratory) and in control databases in 563 (8 homozygous) of 277056 chromosomes at a frequency of 0.002 increasing the likelihood this could be a low frequency benign variant (Genome Aggregation Consortium Feb 27, 2017), identified in the following population at a frequency greater than 1%: African in 515 (8 homozygous) of 24002 chromosomes (freq: 0.02) . The p.Gln123= variant is not expected to have clinical significance because it does not result in a change of amino acid and is not located in a known consensus splice site. The variant occurs 6 nucleotides from the end of exon 2 and and 1 of 5 in silico or computational prediction software programs (SpliceSiteFinder, MaxEntScan, NNSPLICE, GeneSplicer, HumanSpliceFinder) predict a greater than 10% difference in splicing; this is not very predictive of pathogenicity. In summary, based on the above information the clinical significance of this variant cannot be determined with certainty at this time although we would lean towards a more benign role for this variant. This variant is classified as likely benign.

Genome Diagnostics Laboratory, Amsterdam University Medical Center
Classification: Benign. Review status: no assertion criteria provided. Collection method: clinical testing. Allele origin: germline. Affected: yes. Study: VKGL Data-share Consensus. Not counted in ClinVar's aggregate classification.

Joint Genome Diagnostic Labs from Nijmegen and Maastricht, Radboudumc and MUMC+
Classification: Likely benign. Review status: no assertion criteria provided. Collection method: clinical testing. Allele origin: germline. Affected: yes. Study: VKGL Data-share Consensus. Not counted in ClinVar's aggregate classification.

Laboratory of Diagnostic Genome Analysis, Leiden University Medical Center (LUMC)
Classification: Benign. Review status: no assertion criteria provided. Collection method: clinical testing. Allele origin: germline. Affected: yes. Study: VKGL Data-share Consensus. Not counted in ClinVar's aggregate classification.

NM_000455.5(STK11):c.369G>A (p.Gln123=)

Gene: STK11 (serine/threonine kinase 11; plus strand). Cytogenetic location: 19p13.3.
Variant type: single nucleotide variant.
Coding change: c.369G>A on transcript NM_000455.5 (MANE Select); coding-DNA position 369, G replaced by A.
Protein change: p.Gln123=; no amino-acid change (glutamine 123 retained).
Molecular consequence: synonymous variant.
Genome position (GRCh38, 1-based): chr19:1,218,495, G>A. VCF-style: chr19-1218495-G-A. GRCh37 (hg19) VCF-style: chr19-1218494-G-A.
Identifiers: ClinVar variation 141198 (VCV000141198.49), dbSNP rs140112347, ClinGen allele CA022848.